The following is an entry in ClinVar:

ClinVar aggregate classification (germline): Uncertain significance. Review status: criteria provided, multiple submitters, no conflicts (2 of 4 stars). 8 submissions from 8 submitters: Uncertain significance (6). 2 of the submissions do not count toward it. Last evaluated 2026-01-28.

Conditions:
Primary familial hypertrophic cardiomyopathy (HCM). Identifiers: Orphanet 99739, MedGen C0949658, MeSH D024741, MONDO:0024573. Inheritance: Various modes of inheritance.
Dilated cardiomyopathy 1AA (CMD1AA). Also called: Cardiomyopathy, dilated, 1AA, with or without LVNC; CARDIOMYOPATHY, DILATED, 1AA, WITH OR WITHOUT LEFT VENTRICULAR NONCOMPACTION; CARDIOMYOPATHY, FAMILIAL HYPERTROPHIC, 23, WITH OR WITHOUT LEFT VENTRICULAR NONCOMPACTION. Identifiers: Orphanet 154, MedGen C2677338, MONDO:0012808, OMIM 612158.
Myopathy, congenital, with structured cores and z-line abnormalities. Also called: CONGENITAL MYOPATHY 8; MULTIPLE STRUCTURED CORE DISEASE. Identifiers: MedGen C5231445, MONDO:0032852, OMIM 618654.
Myopathy, distal, 6, adult-onset, autosomal dominant. Identifiers: MedGen C5203349, MONDO:0032853, OMIM 618655.
Cardiovascular phenotype. Identifiers: MedGen CN230736.
Cardiomyopathy (CMYO). Also called: Cardiomyopathies. Identifiers: Orphanet 167848, MedGen C0878544, MONDO:0004994, HP:0001638. Inheritance: Various modes of inheritance.

Allele frequency attached by ClinVar (database versions not stated): gnomAD exomes 0.00002 and 0.00003; ExAC 0.00003; gnomAD 0.00004 and 0.00005; TOPMed 0.00004; ESP Exome Variant Server 0.00008.
gnomAD v4.1: 55 of 1,609,810 alleles (0.0034%); highest among the groups gnomAD compares: Non-Finnish European, 0.0045%; no homozygotes.

Submissions (8):

Labcorp Genetics (formerly Invitae), Labcorp
Classification: Uncertain significance for Primary familial hypertrophic cardiomyopathy; Dilated cardiomyopathy 1AA. Last evaluated: 2026-01-28. Review status: criteria provided, single submitter. Criteria: Invitae Variant Classification Sherloc (09022015). Collection method: clinical testing. Allele origin: germline.
Comment: This sequence change falls in intron 1 of the ACTN2 gene. It does not directly change the encoded amino acid sequence of the ACTN2 protein. It affects a nucleotide within the consensus splice site. This variant is present in population databases (rs368775036, gnomAD 0.005%). This variant has not been reported in the literature in individuals affected with ACTN2-related conditions. ClinVar contains an entry for this variant (Variation ID: 567483). Variants that disrupt the consensus splice site are a relatively common cause of aberrant splicing (PMID: 17576681, 9536098). Algorithms developed to predict the effect of sequence changes on RNA splicing suggest that this variant may create or strengthen a splice site. In summary, the available evidence is currently insufficient to determine the role of this variant in disease. Therefore, it has been classified as a Variant of Uncertain Significance.

Institute of Immunology and Genetics Kaiserslautern
Classification: Uncertain significance for Dilated cardiomyopathy 1AA. Last evaluated: 2025-06-04. Review status: criteria provided, single submitter. Criteria: ACMG Guidelines, 2015. Collection method: clinical testing. Allele origin: germline. Affected: yes.
Comment: ACMG Criteria: PVS1_M, PP3, PM2; Variant was found in heterozygous state.

Blueprint Genetics
Classification: Uncertain significance. Last evaluated: 2024-04-18. Review status: criteria provided, single submitter. Criteria: ACMG Guidelines, 2015. Collection method: clinical testing. Allele origin: germline.

Ambry Genetics
Classification: Uncertain significance for Cardiovascular phenotype. Last evaluated: 2023-10-05. Review status: criteria provided, single submitter. Criteria: Ambry Variant Classification Scheme 2023. Collection method: clinical testing. Allele origin: germline.
Comment: The c.127-3C>A intronic variant results from a C to A substitution 3 nucleotides upstream from coding exon 2 in the ACTN2 gene. This nucleotide position is not well conserved in available vertebrate species. In silico splice site analysis predicts that this alteration will not have any significant effect on splicing. Since supporting evidence is limited at this time, the clinical significance of this alteration remains unclear.

CHEO Genetics Diagnostic Laboratory, Children's Hospital of Eastern Ontario
Classification: Uncertain significance for Cardiomyopathy. Last evaluated: 2022-08-05. Review status: criteria provided, single submitter. Criteria: ACMG Guidelines, 2015. Collection method: clinical testing. Allele origin: germline.

Fulgent Genetics
Classification: Uncertain significance for Dilated cardiomyopathy 1AA; Myopathy, congenital, with structured cores and z-line abnormalities; Myopathy, distal, 6, adult-onset, autosomal dominant. Last evaluated: 2022-02-09. Review status: criteria provided, single submitter. Criteria: ACMG Guidelines, 2015. Collection method: clinical testing. Allele origin: unknown.

Clinical Genetics, Academic Medical Center
Classification: Likely benign. Review status: no assertion criteria provided. Collection method: clinical testing. Allele origin: germline. Affected: yes. Study: VKGL Data-share Consensus. Not counted in ClinVar's aggregate classification.

Joint Genome Diagnostic Labs from Nijmegen and Maastricht, Radboudumc and MUMC+
Classification: Likely benign. Review status: no assertion criteria provided. Collection method: clinical testing. Allele origin: germline. Affected: yes. Study: VKGL Data-share Consensus. Not counted in ClinVar's aggregate classification.

Literature cited by the submitters: PubMed 17576681 (cited by Labcorp Genetics (formerly Invitae), Labcorp); PubMed 9536098 (cited by Labcorp Genetics (formerly Invitae), Labcorp).

NM_001103.4(ACTN2):c.127-3C>A

Gene: ACTN2 (actinin alpha 2; plus strand). Cytogenetic location: 1q43.
Variant type: single nucleotide variant.
Coding change: c.127-3C>A on transcript NM_001103.4 (MANE Select); 3 bases into the intron before coding-DNA position 127, C replaced by A.
Molecular consequence: intron variant.
Genome position (GRCh38, 1-based): chr1:236,717,855, C>A. VCF-style: chr1-236717855-C-A. GRCh37 (hg19) VCF-style: chr1-236881155-C-A.
Other names: c.-695-3C>A (NM_001278344.2); c.127-3C>A (NM_001278343.2).
Identifiers: ClinVar variation 567483 (VCV000567483.20), dbSNP rs368775036, ClinGen allele CA1472723.